The following is an entry in ClinVar:

NM_005960.2(MUC3A):c.9474G>T (p.Thr3158=)

Gene: MUC3A (mucin 3A, cell surface associated; plus strand). Cytogenetic location: 7q22.1.
Variant type: single nucleotide variant.
Coding change: c.9474G>T on transcript NM_005960.2 (MANE Select); coding-DNA position 9474, G replaced by T.
Protein change: p.Thr3158=; no amino-acid change (threonine 3158 retained).
Molecular consequence: synonymous variant.
Genome position (GRCh38, 1-based): chr7:100,965,729, G>T. VCF-style: chr7-100965729-G-T. GRCh37 (hg19) VCF-style: chr7-100608754-G-T.
Identifiers: ClinVar variation 2657795 (VCV002657795.24), dbSNP rs200682970, ClinGen allele CA4398420.

ClinVar aggregate classification (germline): Likely benign (1 of 4 stars; one submission).

gnomAD v4.1: 9,771 of 1,581,956 alleles (0.62%); highest among the groups gnomAD compares: Non-Finnish European, 0.73%; no homozygotes.

Submission:

CeGaT Center for Human Genetics Tuebingen
Classification: Likely benign. Last evaluated: 2025-06-01. Review status: criteria provided, single submitter. Criteria: CeGaT Center For Human Genetics Tuebingen Variant Classification Criteria Version 2. Collection method: clinical testing. Allele origin: germline. Affected: yes. Observed: 2 variant alleles.
Comment: MUC3A: BP4, BP7